The following is an entry in ClinVar:

NM_020822.3(KCNT1):c.1891del (p.Glu631fs)

Gene: KCNT1 (potassium sodium-activated channel subfamily T member 1; plus strand). Cytogenetic location: 9q34.3.
Variant type: Deletion.
Coding change: c.1891del on transcript NM_020822.3 (MANE Select); coding-DNA position 1891, one base deleted (G; older notation c.1891delG).
Protein change: p.Glu631fs; shifts the reading frame from glutamic acid 631.
Molecular consequence: frameshift variant.
Genome position (GRCh38, 1-based): chr9:135,770,978, G deleted; the last of 2 consecutive G bases (chr9:135,770,977-135,770,978); deleting either gives the same sequence. VCF-style (leftmost placement, unchanged base first): chr9-135770976-AG-A. GRCh37 (hg19) VCF-style: chr9-138662822-AG-A.
Other names: c.1756del, p.Glu586fs (NM_001272003.2); short protein forms E586fs, E631fs.
Identifiers: ClinVar variation 1404713 (VCV001404713.6), dbSNP rs1171823087, ClinGen allele CA467820984.
Genomic context (GRCh38, chr9:135,770,976, plus strand): 5'-CGGGGCCCCGGCACATCCTGGCCGCCTCTGACACCTGCTTCTACATCAACATCACCAAGG[AG>A]GAGAACTCGGCCTTCATCTTCAAGCAGGAGGAGAAGCGGAAGAAGAGGGCCTTCTCGGGG-3'

ClinVar aggregate classification (germline): Uncertain significance (1 of 4 stars; one submission).

Conditions:
Autosomal dominant nocturnal frontal lobe epilepsy 5. Also called: CILIARY DYSKINESIA, PRIMARY, 28, WITH SITUS INVERSUS; KCNT1-Related Epilepsy; CILIARY DYSKINESIA, PRIMARY, 28, WITHOUT SITUS INVERSUS; Epilepsy, nocturnal frontal lobe, 5. Identifiers: Orphanet 98784, MedGen C3554306, MONDO:0014002, OMIM 615005.
Developmental and epileptic encephalopathy, 14 (DEE14). Also called: Early infantile epileptic encephalopathy 14. Identifiers: Orphanet 293181, MedGen C3554195, MONDO:0013989, OMIM 614959.

Submission:

Labcorp Genetics (formerly Invitae), Labcorp
Classification: Uncertain significance for Autosomal dominant nocturnal frontal lobe epilepsy 5; Developmental and epileptic encephalopathy, 14. Last evaluated: 2021-03-22. Review status: criteria provided, single submitter. Criteria: Invitae Variant Classification Sherloc (09022015). Collection method: clinical testing. Allele origin: germline.
Comment: In summary, the available evidence is currently insufficient to determine the role of this variant in disease. Therefore, it has been classified as a Variant of Uncertain Significance. This variant has not been reported in the literature in individuals with KCNT1-related conditions. This variant is not present in population databases (ExAC no frequency). This sequence change creates a premature translational stop signal (p.Glu631Argfs*98) in the KCNT1 gene. It is expected to result in an absent or disrupted protein product. However, the current clinical and genetic evidence is not sufficient to establish whether loss-of-function variants in KCNT1 cause disease.